The following is an entry in ClinVar:

ClinVar aggregate classification (germline): Uncertain significance. Review status: criteria provided, single submitter (1 of 4 stars). 3 submissions from 3 submitters: Uncertain significance (1). 2 of the submissions do not count toward it. Last evaluated 2024-05-09.

Conditions:
Joubert syndrome. Also called: JOUBERT-BOLTSHAUSER SYNDROME; Familial aplasia of the vermis. Identifiers: Orphanet 475, MedGen C5979921, MONDO:0018772.
RPGRIP1L-related disorder. Also called: RPGRIP1L-related disorders; RPGRIP1L-related condition. Identifiers: MedGen CN239416.
COACH syndrome 3. Identifiers: MedGen C5436841, MONDO:0030862, OMIM 619113.
Meckel syndrome, type 5 (MKS5). Identifiers: Orphanet 564, MedGen C1969052, MONDO:0012695, OMIM 611561.
Joubert syndrome 7 (JBTS7). Identifiers: Orphanet 220497, MedGen C1969053, MONDO:0012694, OMIM 611560.

Allele frequency attached by ClinVar (database versions not stated): gnomAD exomes 0.00001; TOPMed 0.00002.

Submissions (3):

Fulgent Genetics
Classification: Uncertain significance for Joubert syndrome 7; Meckel syndrome, type 5; COACH syndrome 3. Last evaluated: 2024-05-09. Review status: criteria provided, single submitter. Criteria: ACMG Guidelines, 2015. Collection method: clinical testing. Allele origin: germline.

PreventionGenetics, part of Exact Sciences
Classification: Uncertain significance for RPGRIP1L-related condition. Last evaluated: 2024-07-05. Review status: no assertion criteria provided. Collection method: clinical testing. Allele origin: germline. Not counted in ClinVar's aggregate classification.
Comment: The RPGRIP1L c.788G>A variant is predicted to result in the amino acid substitution p.Arg263Gln. To our knowledge, this variant has not been reported in the literature. This variant is reported in 0.0033% of alleles in individuals of South Asian descent in gnomAD. At this time, the clinical significance of this variant is uncertain due to the absence of conclusive functional and genetic evidence.

Natera, Inc.
Classification: Uncertain significance for Joubert syndrome. Last evaluated: 2020-04-24. Review status: no assertion criteria provided. Collection method: clinical testing. Allele origin: germline. Not counted in ClinVar's aggregate classification.

NM_015272.5(RPGRIP1L):c.788G>A (p.Arg263Gln)

Gene: RPGRIP1L (RPGRIP1 like; minus strand). Cytogenetic location: 16q12.2.
Variant type: single nucleotide variant.
Coding change: c.788G>A on transcript NM_015272.5 (MANE Select); coding-DNA position 788, G replaced by A.
Protein change: p.Arg263Gln; replaces arginine 263 with glutamine.
Molecular consequence: missense variant.
Genome position (GRCh38, 1-based): chr16:53,675,111, C>T on the plus strand (G>A on the coding strand, the complement: RPGRIP1L is on the minus strand). VCF-style: chr16-53675111-C-T. GRCh37 (hg19) VCF-style: chr16-53709023-C-T.
Other names: c.788G>A, p.Arg263Gln (NM_001127897.4, NM_001308334.3, NM_001330538.2); c.788G>A (NM_015272.4); short protein forms R263Q.
Identifiers: ClinVar variation 992043 (VCV000992043.4), dbSNP rs916661298, ClinGen allele CA281362026.